The following is an entry in ClinVar:

ClinVar aggregate classification (germline): Uncertain significance (1 of 4 stars; one submission).

Submission:

Labcorp Genetics (formerly Invitae), Labcorp
Classification: Uncertain significance. Last evaluated: 2026-01-07. Review status: criteria provided, single submitter. Criteria: Invitae Variant Classification Sherloc (09022015). Collection method: clinical testing. Allele origin: germline.
Comment: This sequence change replaces aspartic acid, which is acidic and polar, with tyrosine, which is neutral and polar, at codon 935 of the NLRP1 protein (p.Asp935Tyr). This variant is not present in population databases (gnomAD no frequency). This variant has not been reported in the literature in individuals affected with NLRP1-related conditions. An algorithm developed to predict the effect of missense changes on protein structure and function (PolyPhen-2) suggests that this variant is likely to be disruptive. In summary, the available evidence is currently insufficient to determine the role of this variant in disease. Therefore, it has been classified as a Variant of Uncertain Significance.

NM_033004.4(NLRP1):c.2803G>T (p.Asp935Tyr)

Gene: NLRP1 (NLR family pyrin domain containing 1; minus strand). Cytogenetic location: 17p13.2.
Variant type: single nucleotide variant.
Coding change: c.2803G>T on transcript NM_033004.4 (MANE Select); coding-DNA position 2803, G replaced by T.
Protein change: p.Asp935Tyr; replaces aspartic acid 935 with tyrosine.
Molecular consequence: missense variant.
Genome position (GRCh38, 1-based): chr17:5,539,482, C>A on the plus strand (G>T on the coding strand, the complement: NLRP1 is on the minus strand). VCF-style: chr17-5539482-C-A. GRCh37 (hg19) VCF-style: chr17-5442802-C-A.
Other names: c.2803G>T, p.Asp935Tyr (NM_001033053.3, NM_014922.5, NM_033006.4 and 1 more transcripts); short protein forms D935Y.
Identifiers: ClinVar variation 4734556 (VCV004734556.1).